The following is an entry in ClinVar:

ClinVar aggregate classification (germline): Conflicting classifications of pathogenicity. Review status: criteria provided, conflicting classifications (1 of 4 stars). 3 submissions from 2 submitters: Uncertain significance (1); Likely benign (2). Last evaluated 2021-08-30.

Conditions:
Mitochondrial complex I deficiency, nuclear type 1. Also called: NADH-COENZYME Q REDUCTASE DEFICIENCY; MITOCHONDRIAL NADH DEHYDROGENASE COMPONENT OF COMPLEX I, DEFICIENCY OF. Identifiers: MedGen C6022305, MONDO:0100224, OMIM 252010.
Leigh syndrome (NULS). Also called: Leigh Disease; Subacute necrotizing encephalopathy; Necrotizing encephalopathy infantile subacute of Leigh; LEIGH SYNDROME, NUCLEAR; Leigh's syndrome; Leigh's necrotizing encephalopathy. Identifiers: Orphanet 506, MedGen C2931891, MONDO:0009723, OMIM 256000.

Allele frequency attached by ClinVar (database versions not stated): gnomAD exomes 0.00008; gnomAD 0.00343 and 0.00369; TOPMed 0.00379; 1000 Genomes Project 0.00399; 1000 Genomes Project 30x 0.00422.
gnomAD v4.1: 519 of 166,192 alleles (0.31%); highest among the groups gnomAD compares: African/African-American, 1.2%; 6 homozygotes.

Submissions (3):

GeneDx
Classification: Likely benign. Last evaluated: 2021-08-30. Review status: criteria provided, single submitter. Criteria: GeneDx Variant Classification Process June 2021. Collection method: clinical testing. Allele origin: germline. Affected: yes.

Illumina Laboratory Services, Illumina
Classification: Likely benign for Leigh syndrome. Last evaluated: 2018-01-12. Review status: criteria provided, single submitter. Criteria: ICSL Variant Classification Criteria 13 December 2019. Collection method: clinical testing. Allele origin: germline.
Comment: This variant was observed in the ICSL laboratory as part of a predisposition screen in an ostensibly healthy population. It had not been previously curated by ICSL or reported in the Human Gene Mutation Database (HGMD: prior to June 1st, 2018), and was therefore a candidate for classification through an automated scoring system. Utilizing variant allele frequency, disease prevalence and penetrance estimates, and inheritance mode, an automated score was calculated to assess if this variant is too frequent to cause the disease. Based on the score and internal cut-off values, a variant classified as likely benign is not then subjected to further curation. The score for this variant resulted in a classification of likely benign for this disease.

Illumina Laboratory Services, Illumina
Classification: Uncertain significance for Mitochondrial complex I deficiency, nuclear type 1. Last evaluated: 2018-01-12. Review status: criteria provided, single submitter. Criteria: ICSL Variant Classification Criteria 13 December 2019. Collection method: clinical testing. Allele origin: germline.

NM_005006.7(NDUFS1):c.*426T>G

Gene: NDUFS1 (NADH:ubiquinone oxidoreductase core subunit S1; minus strand). Cytogenetic location: 2q33.3.
Variant type: single nucleotide variant.
Coding change: c.*426T>G on transcript NM_005006.7 (MANE Select); 426 bases downstream of the stop codon, T replaced by G.
Molecular consequence: 3 prime UTR variant.
Genome position (GRCh38, 1-based): chr2:206,123,759, A>C on the plus strand (T>G on the coding strand, the complement: NDUFS1 is on the minus strand). VCF-style: chr2-206123759-A-C. GRCh37 (hg19) VCF-style: chr2-206988483-A-C.
Other names: c.*426T>G (NM_001199981.2, NM_001199982.2, NM_001199983.2 and 1 more transcripts).
Identifiers: ClinVar variation 896190 (VCV000896190.5), dbSNP rs114402169, ClinGen allele CA63645927.
Genomic context (GRCh38, chr2:206,123,759, plus strand): 5'-TATCATTAGCCATTGTTACTATGATTATTATTAATTATAATTATCCTAGATACATATCTG[A>C]GCATGATTATGTATTTTTCCTATTTACCCAGCTTGACAAGGTGCTTAAATCTTTTCTTTA-3'